The following is an entry in ClinVar:

NM_000384.3(APOB):c.10205G>C (p.Ser3402Thr)

Gene: APOB (apolipoprotein B; minus strand). Cytogenetic location: 2p24.1.
Variant type: single nucleotide variant.
Coding change: c.10205G>C on transcript NM_000384.3 (MANE Select); coding-DNA position 10205, G replaced by C.
Protein change: p.Ser3402Thr; replaces serine 3402 with threonine.
Molecular consequence: missense variant.
Genome position (GRCh38, 1-based): chr2:21,006,663, C>G on the plus strand (G>C on the coding strand, the complement: APOB is on the minus strand). VCF-style: chr2-21006663-C-G. GRCh37 (hg19) VCF-style: chr2-21229535-C-G.
Other names: short protein forms S3402T.
Identifiers: ClinVar variation 2565855 (VCV002565855.2), dbSNP rs1245720904, ClinGen allele CA345987086.

ClinVar aggregate classification (germline): Uncertain significance (1 of 4 stars; one submission).

Conditions:
Cardiovascular phenotype. Identifiers: MedGen CN230736.

Allele frequency attached by ClinVar (database versions not stated): gnomAD exomes below 0.00001; TOPMed below 0.00001; gnomAD 0.00001.
gnomAD v4.1: 3 of 1,613,956 alleles (0.00019%); highest among the groups gnomAD compares: African/African-American, 0.004%; no homozygotes.

Submission:

Ambry Genetics
Classification: Uncertain significance for Cardiovascular phenotype. Last evaluated: 2023-05-04. Review status: criteria provided, single submitter. Criteria: Ambry Variant Classification Scheme 2023. Collection method: clinical testing. Allele origin: germline.
Comment: The p.S3402T variant (also known as c.10205G>C), located in coding exon 26 of the APOB gene, results from a G to C substitution at nucleotide position 10205. The serine at codon 3402 is replaced by threonine, an amino acid with similar properties. This amino acid position is conserved. In addition, this alteration is predicted to be tolerated by in silico analysis. Since supporting evidence is limited at this time, the clinical significance of this alteration remains unclear.